The following is an entry in ClinVar:

NM_000038.6(APC):c.8292T>C (p.Ser2764=)

Gene: APC (APC regulator of Wnt signaling pathway; plus strand). Cytogenetic location: 5q22.2.
Variant type: single nucleotide variant.
Coding change: c.8292T>C on transcript NM_000038.6 (MANE Select); coding-DNA position 8292, T replaced by C.
Protein change: p.Ser2764=; no amino-acid change (serine 2764 retained).
Molecular consequence: synonymous variant. On other transcripts: non-coding transcript variant (2).
Genome position (GRCh38, 1-based): chr5:112,843,886, T>C. VCF-style: chr5-112843886-T-C. GRCh37 (hg19) VCF-style: chr5-112179583-T-C.
Other names: c.7812T>C, p.Ser2604= (NM_001354905.2); c.7443T>C, p.Ser2481= (NM_001354906.2, NM_001407470.1); c.8376T>C, p.Ser2792= (NM_001407446.1); c.8346T>C, p.Ser2782= (NM_001407447.1, NM_001407448.1, NM_001407449.1 and 1 more transcripts); c.8292T>C, p.Ser2764= (NM_001407450.1, NM_001127510.3, NM_001354895.2); c.8271T>C, p.Ser2757= (NM_001407451.1); c.8262T>C, p.Ser2754= (NM_001407452.1); c.8115T>C, p.Ser2705= (NM_001407453.1, NM_001354901.2); and 11 more.
Identifiers: ClinVar variation 1762775 (VCV001762775.6), dbSNP rs2533857770, ClinGen allele CA446211432.

ClinVar aggregate classification (germline): Benign/Likely benign. Review status: criteria provided, multiple submitters, no conflicts (2 of 4 stars). 3 submissions from 3 submitters: Benign (1); Likely benign (2). Last evaluated 2026-01-13.

Conditions:
Hereditary cancer-predisposing syndrome. Also called: Neoplastic Syndromes, Hereditary; Tumor predisposition; Hereditary Cancer Syndrome; Hereditary neoplastic syndrome. Identifiers: Orphanet 140162, MedGen C0027672, MeSH D009386, MONDO:0015356.
Familial adenomatous polyposis 1 (FAP1). Also called: FAMILIAL ADENOMATOUS POLYPOSIS 1, ATTENUATED; POLYPOSIS, ADENOMATOUS INTESTINAL. Identifiers: MedGen C2713442, MONDO:0021056, OMIM 175100. Disease mechanism: loss of function.

Submissions (3):

Labcorp Genetics (formerly Invitae), Labcorp
Classification: Likely benign for Familial adenomatous polyposis 1. Last evaluated: 2026-01-13. Review status: criteria provided, single submitter. Criteria: Invitae Variant Classification Sherloc (09022015). Collection method: clinical testing. Allele origin: germline.

Myriad Genetics, Inc.
Classification: Benign for Familial adenomatous polyposis 1. Last evaluated: 2024-04-15. Review status: criteria provided, single submitter. Criteria: Myriad Autosomal Dominant, Autosomal Recessive and X-Linked Classification Criteria (2023). Collection method: clinical testing. Allele origin: unknown.
Comment: This variant is considered benign. This variant is a silent/synonymous amino acid change and it is not expected to impact splicing.

Ambry Genetics
Classification: Likely benign for Hereditary cancer-predisposing syndrome. Last evaluated: 2020-11-07. Review status: criteria provided, single submitter. Criteria: Ambry Variant Classification Scheme 2023. Collection method: clinical testing. Allele origin: germline.